The following is an entry in ClinVar:

ClinVar aggregate classification (germline): Uncertain significance (1 of 4 stars; one submission).

Allele frequency attached by ClinVar (database versions not stated): TOPMed 0.00003; gnomAD 0.00007; ESP Exome Variant Server 0.00008; gnomAD exomes 0.00015; ExAC 0.00016.
gnomAD v4.1: 222 of 1,613,912 alleles (0.014%); highest among the groups gnomAD compares: South Asian, 0.089%; no homozygotes.

Submission:

Labcorp Genetics (formerly Invitae), Labcorp
Classification: Uncertain significance. Last evaluated: 2022-06-20. Review status: criteria provided, single submitter. Criteria: Invitae Variant Classification Sherloc (09022015). Collection method: clinical testing. Allele origin: germline.
Comment: This sequence change replaces asparagine, which is neutral and polar, with isoleucine, which is neutral and non-polar, at codon 297 of the DBR1 protein (p.Asn297Ile). This variant is present in population databases (rs140304067, gnomAD 0.09%). This variant has not been reported in the literature in individuals affected with DBR1-related conditions. Algorithms developed to predict the effect of missense changes on protein structure and function are either unavailable or do not agree on the potential impact of this missense change (SIFT: "Deleterious"; PolyPhen-2: "Possibly Damaging"; Align-GVGD: "Class C0"). In summary, the available evidence is currently insufficient to determine the role of this variant in disease. Therefore, it has been classified as a Variant of Uncertain Significance.

NM_016216.4(DBR1):c.890A>T (p.Asn297Ile)

Gene: DBR1 (debranching RNA lariats 1; minus strand). Cytogenetic location: 3q22.3.
Variant type: single nucleotide variant.
Coding change: c.890A>T on transcript NM_016216.4 (MANE Select); coding-DNA position 890, A replaced by T.
Protein change: p.Asn297Ile; replaces asparagine 297 with isoleucine.
Molecular consequence: missense variant.
Genome position (GRCh38, 1-based): chr3:138,163,400, T>A on the plus strand (A>T on the coding strand, the complement: DBR1 is on the minus strand). VCF-style: chr3-138163400-T-A. GRCh37 (hg19) VCF-style: chr3-137882242-T-A.
Other names: short protein forms N297I.
Identifiers: ClinVar variation 2065065 (VCV002065065.1), dbSNP rs140304067, ClinGen allele CA2635760.